The following is an entry in ClinVar:

NM_000222.3(KIT):c.56_57delinsTT (p.Arg19Leu)

Gene: KIT (KIT proto-oncogene, receptor tyrosine kinase; plus strand). Cytogenetic location: 4q12.
Variant type: Indel.
Coding change: c.56_57delinsTT on transcript NM_000222.3 (MANE Select); coding-DNA positions 56 to 57, GC replaced by TT.
Protein change: p.Arg19Leu; replaces arginine 19 with leucine.
Molecular consequence: missense variant.
Genome position (GRCh38, 1-based): chr4:54,658,070-54,658,071, GC replaced by TT. VCF-style: chr4-54658070-GC-TT. GRCh37 (hg19) VCF-style: chr4-55524237-GC-TT.
Other names: c.56_57delGCinsTT (NM_000222.2); c.56_57delinsTT, p.Arg19Leu (NM_001093772.2, NM_001385284.1, NM_001385285.1 and 4 more transcripts); short protein forms R19L.
Identifiers: ClinVar variation 655472 (VCV000655472.14), dbSNP rs1577898667, ClinGen allele CA915943132.

ClinVar aggregate classification (germline): Uncertain significance. Review status: criteria provided, multiple submitters, no conflicts (2 of 4 stars). 3 submissions from 3 submitters: Uncertain significance (3). Last evaluated 2025-02-27.

Conditions:
Hereditary cancer-predisposing syndrome. Also called: Neoplastic Syndromes, Hereditary; Tumor predisposition; Hereditary Cancer Syndrome; Hereditary neoplastic syndrome. Identifiers: Orphanet 140162, MedGen C0027672, MeSH D009386, MONDO:0015356.
Gastrointestinal stromal tumor. Also called: Gastrointestinal stromal tumor, somatic; Gastrointestinal stroma tumor. Identifiers: Orphanet 44890, MedGen C0238198, MeSH D046152, MONDO:0011719, OMIM 606764, HP:0100723.

Submissions (3):

Ambry Genetics
Classification: Uncertain significance for Hereditary cancer-predisposing syndrome. Last evaluated: 2025-02-27. Review status: criteria provided, single submitter. Criteria: Ambry Variant Classification Scheme 2023. Collection method: clinical testing. Allele origin: germline.
Comment: The c.56_57delGCinsTT variant (also known as p.R19L), located in coding exon 1 of the KIT gene, results from an in-frame deletion of GC and insertion of TT at nucleotide positions 56 to 57. This results in the substitution of the arginine residue for a leucine residue at codon 19, an amino acid with dissimilar properties. This amino acid position is not well conserved in available vertebrate species. In addition, this alteration is predicted to be neutral by in silico analysis (Choi Y et al. PLoS ONE. 2012; 7(10):e46688). Based on the available evidence, the clinical significance of this variant remains unclear.

Labcorp Genetics (formerly Invitae), Labcorp
Classification: Uncertain significance for Gastrointestinal stromal tumor. Last evaluated: 2024-11-16. Review status: criteria provided, single submitter. Criteria: Invitae Variant Classification Sherloc (09022015). Collection method: clinical testing. Allele origin: germline.
Comment: This sequence change replaces arginine, which is basic and polar, with leucine, which is neutral and non-polar, at codon 19 of the KIT protein (p.Arg19Leu). This variant is present in population databases (no rsID available, gnomAD 0.0004%). This variant has not been reported in the literature in individuals affected with KIT-related conditions. ClinVar contains an entry for this variant (Variation ID: 655472). An algorithm developed to predict the effect of missense changes on protein structure and function outputs the following: PolyPhen-2: "Benign". The leucine amino acid residue is found in multiple mammalian species, which suggests that this missense change does not adversely affect protein function. In summary, the available evidence is currently insufficient to determine the role of this variant in disease. Therefore, it has been classified as a Variant of Uncertain Significance.

GeneDx
Classification: Uncertain significance. Last evaluated: 2024-02-12. Review status: criteria provided, single submitter. Criteria: GeneDx Variant Classification Process June 2021. Collection method: clinical testing. Allele origin: germline. Affected: yes.
Comment: Not observed at significant frequency in large population cohorts (gnomAD); In silico analysis supports that this variant does not alter protein structure/function; Has not been previously published as pathogenic or benign to our knowledge